The following is an entry in ClinVar:

ClinVar aggregate classification (germline): Uncertain significance (1 of 4 stars; one submission).

Submission:

GeneDx
Classification: Uncertain significance. Last evaluated: 2024-09-19. Review status: criteria provided, single submitter. Criteria: GeneDx Variant Classification Process June 2021. Collection method: clinical testing. Allele origin: germline. Affected: yes.
Comment: Not observed at significant frequency in large population cohorts (gnomAD); In silico analysis is inconclusive as to whether the variant alters gene splicing. In the absence of RNA/functional studies, the actual effect of this sequence change is unknown.; Has not been previously published as pathogenic or benign to our knowledge

NM_057175.5(NAA15):c.2057-11T>C

Gene: NAA15 (N-alpha-acetyltransferase 15, NatA auxiliary subunit; plus strand). Cytogenetic location: 4q31.1.
Variant type: single nucleotide variant.
Coding change: c.2057-11T>C on transcript NM_057175.5 (MANE Select); 11 bases into the intron before coding-DNA position 2057, T replaced by C.
Molecular consequence: intron variant.
Genome position (GRCh38, 1-based): chr4:139,378,745, T>C. VCF-style: chr4-139378745-T-C. GRCh37 (hg19) VCF-style: chr4-140299899-T-C.
Other names: c.2057-11T>C (NM_001410842.1).
Identifiers: ClinVar variation 3774083 (VCV003774083.1).
Genomic context (GRCh38, chr4:139,378,745, plus strand): 5'-TGAAGTCTTGGCCCTCCAAAGGAGGCCTCTTATCCAATGATCAAAATATATCTTACTTTC[T>C]CTTTTTATAGAAAAGTTTCTTTTGATGCTACAATCAGTAAAGAGGGCATTTGCTATTGAT-3'